The following is an entry in ClinVar:

NM_004004.6(GJB2):c.605G>T (p.Cys202Phe)

Gene: GJB2 (gap junction protein beta 2; minus strand). Cytogenetic location: 13q12.11.
Variant type: single nucleotide variant.
Coding change: c.605G>T on transcript NM_004004.6 (MANE Select); coding-DNA position 605, G replaced by T.
Protein change: p.Cys202Phe; replaces cysteine 202 with phenylalanine.
Molecular consequence: missense variant.
Genome position (GRCh38, 1-based): chr13:20,188,977, C>A on the plus strand (G>T on the coding strand, the complement: GJB2 is on the minus strand). VCF-style: chr13-20188977-C-A. GRCh37 (hg19) VCF-style: chr13-20763116-C-A.
Other names: short protein forms C202F.
Identifiers: ClinVar variation 17018 (VCV000017018.5), dbSNP rs104894406, ClinGen allele CA257678.
Genomic context (GRCh38, chr13:20,188,977, plus strand): 5'-GACTTCCCAGAACAATATCTAATTAGCAAATAACACAATTCAGTGACATTCAGCAGGATG[C>A]AAATTCCAGACACTGCAATCATGAACACTGTGAAGACAGTCTTCTCCGTGGGCCGGGACA-3'
Protein context (NP_003995.2, residues 192-212): TVFMIAVSGI[Cys202Phe]ILLNVTELCY

ClinVar aggregate classification (germline): Likely pathogenic. Review status: criteria provided, single submitter (1 of 4 stars). 3 submissions from 3 submitters: Likely pathogenic (1). 2 of the submissions do not count toward it. Last evaluated 2020-11-25.

Conditions:
Autosomal dominant nonsyndromic hearing loss 3A. Identifiers: Orphanet 90635, MedGen C2675750, MONDO:0011103, OMIM 601544.

Submissions (3):

Athena Diagnostics
Classification: Likely pathogenic. Last evaluated: 2020-11-25. Review status: criteria provided, single submitter. Criteria: Athena Diagnostics criteria. Collection method: clinical testing. Allele origin: unknown.
Comment: This variant has not been reported in large, multi-ethnic general populations. This variant segregates with disease in a single family with autosomal dominant isolated, mild to moderate, postlingual hearing impairment. This family exhibited variability in the severity of hearing loss, which was restricted to high frequencies during the first decade and progressed to middle frequencies between 10 and 50 years of age (PMID 10807696). A majority of pathogenic variants in this gene are associated with autosomal recessive nonsyndromic hearing loss with cases of autosomal dominant hearing loss being more rare. Assessment of experimental evidence suggests this variant results in abnormal protein function. The variant causes impaired intercellular trafficking (PMID: 20096356, 21040787, 23967136). Computational tools predict that this variant is damaging.

OMIM
Classification: Pathogenic for DEAFNESS, AUTOSOMAL DOMINANT 3A. Last evaluated: 2000-05-01. Review status: no assertion criteria provided. Collection method: literature only. Allele origin: germline. Not counted in ClinVar's aggregate classification.

GeneReviews
No classification provided. Condition: Autosomal dominant nonsyndromic hearing loss 3A. Review status: no classification provided. Collection method: literature only. Allele origin: germline. Not counted in ClinVar's aggregate classification.

Literature cited by the submitters: PubMed 10807696 (cited by Athena Diagnostics and OMIM); PubMed 20096356 (cited by Athena Diagnostics); PubMed 21040787 (cited by Athena Diagnostics); PubMed 23967136 (cited by Athena Diagnostics); PubMed 25388846 (cited by Athena Diagnostics); NCBI Bookshelf NBK1536 (cited by GeneReviews).